The following is an entry in ClinVar:

NM_147127.5(EVC2):c.1977C>G (p.Asp659Glu)

Gene: EVC2 (EvC ciliary complex subunit 2; minus strand). Cytogenetic location: 4p16.2.
Variant type: single nucleotide variant.
Coding change: c.1977C>G on transcript NM_147127.5 (MANE Select); coding-DNA position 1977, C replaced by G.
Protein change: p.Asp659Glu; replaces aspartic acid 659 with glutamic acid.
Molecular consequence: missense variant.
Genome position (GRCh38, 1-based): chr4:5,625,818, G>C on the plus strand (C>G on the coding strand, the complement: EVC2 is on the minus strand). VCF-style: chr4-5625818-G-C. GRCh37 (hg19) VCF-style: chr4-5627545-G-C.
Other names: c.1737C>G, p.Asp579Glu (NM_001166136.2); short protein forms D579E, D659E.
Identifiers: ClinVar variation 1718771 (VCV001718771.5), dbSNP rs2475385831, ClinGen allele CA356145992.

ClinVar aggregate classification (germline): Uncertain significance (1 of 4 stars; one submission).

Conditions:
Ellis-van Creveld syndrome (EVC). Also called: EVC2-Related Ellis-van Creveld Syndrome; EVC-Related Ellis-van Creveld Syndrome; Chondroectodermal dysplasia; MESOECTODERMAL DYSPLASIA. Identifiers: Orphanet 289, MedGen C0013903, MONDO:0009162, OMIM 225500.
Curry-Hall syndrome (WAD). Also called: WEYERS ACRODENTAL DYSOSTOSIS. Identifiers: Orphanet 952, MedGen C0457013, MONDO:0008673, OMIM 193530.

Allele frequency attached by ClinVar (database versions not stated): gnomAD exomes below 0.00001.

Submission:

Labcorp Genetics (formerly Invitae), Labcorp
Classification: Uncertain significance for Curry-Hall syndrome; Ellis-van Creveld syndrome. Last evaluated: 2023-08-24. Review status: criteria provided, single submitter. Criteria: Invitae Variant Classification Sherloc (09022015). Collection method: clinical testing. Allele origin: germline.
Comment: In summary, the available evidence is currently insufficient to determine the role of this variant in disease. Therefore, it has been classified as a Variant of Uncertain Significance. An algorithm developed to predict the effect of missense changes on protein structure and function (PolyPhen-2) suggests that this variant is likely to be disruptive. ClinVar contains an entry for this variant (Variation ID: 1718771). This variant has not been reported in the literature in individuals affected with EVC2-related conditions. This variant is not present in population databases (gnomAD no frequency). This sequence change replaces aspartic acid, which is acidic and polar, with glutamic acid, which is acidic and polar, at codon 659 of the EVC2 protein (p.Asp659Glu).